The following is an entry in ClinVar:

ClinVar aggregate classification (germline): Uncertain significance. Review status: criteria provided, multiple submitters, no conflicts (2 of 4 stars). 2 submissions from 2 submitters: Uncertain significance (2). Last evaluated 2025-08-17.

Conditions:
Autosomal dominant spastic paraplegia type 9. Identifiers: MedGen C1832669, MONDO:0015091.
de Barsy syndrome. Also called: Cutis laxa-corneal clouding-oligophrenia syndrome. Identifiers: Orphanet 2962, MedGen C0268354, MONDO:0017569.
Cutis laxa, autosomal dominant 3 (ADCL3). Identifiers: Orphanet 90348, MedGen C4225268, MONDO:0014706, OMIM 616603.

Allele frequency attached by ClinVar (database versions not stated): ExAC 0.00007; ESP Exome Variant Server 0.00008; gnomAD 0.00005.
gnomAD v4.1: 63 of 1,614,050 alleles (0.0039%); highest among the groups gnomAD compares: African/African-American, 0.008%; no homozygotes.

Submissions (2):

Labcorp Genetics (formerly Invitae), Labcorp
Classification: Uncertain significance for Autosomal dominant spastic paraplegia type 9; de Barsy syndrome; Cutis laxa, autosomal dominant 3. Last evaluated: 2025-08-17. Review status: criteria provided, single submitter. Criteria: Invitae Variant Classification Sherloc (09022015). Collection method: clinical testing. Allele origin: germline.
Comment: This sequence change replaces arginine, which is basic and polar, with cysteine, which is neutral and slightly polar, at codon 41 of the ALDH18A1 protein (p.Arg41Cys). This variant is present in population databases (rs370450551, gnomAD 0.02%). This variant has not been reported in the literature in individuals affected with ALDH18A1-related conditions. ClinVar contains an entry for this variant (Variation ID: 2057062). An algorithm developed to predict the effect of missense changes on protein structure and function (PolyPhen-2) suggests that this variant is likely to be tolerated. In summary, the available evidence is currently insufficient to determine the role of this variant in disease. Therefore, it has been classified as a Variant of Uncertain Significance.

Revvity Omics, Revvity
Classification: Uncertain significance. Last evaluated: 2023-03-13. Review status: criteria provided, single submitter. Criteria: ACMG Guidelines, 2015. Collection method: clinical testing. Allele origin: germline.

NM_002860.4(ALDH18A1):c.121C>T (p.Arg41Cys)

Gene: ALDH18A1 (aldehyde dehydrogenase 18 family member A1; minus strand). Cytogenetic location: 10q24.1.
Variant type: single nucleotide variant.
Coding change: c.121C>T on transcript NM_002860.4 (MANE Select); coding-DNA position 121, C replaced by T.
Protein change: p.Arg41Cys; replaces arginine 41 with cysteine.
Molecular consequence: missense variant. On other transcripts: intron variant (4).
Genome position (GRCh38, 1-based): chr10:95,643,174, G>A on the plus strand (C>T on the coding strand, the complement: ALDH18A1 is on the minus strand). VCF-style: chr10-95643174-G-A. GRCh37 (hg19) VCF-style: chr10-97402931-G-A.
Other names: c.121C>T, p.Arg41Cys (NM_001017423.2, NM_001323413.2, NM_001323414.2 and 2 more transcripts); c.-78-9525C>T (NM_001323419.2); c.-30-5738C>T (NM_001323412.2, NM_001323418.2, NM_001323416.2); short protein forms R41C.
Identifiers: ClinVar variation 2057062 (VCV002057062.6), dbSNP rs370450551, ClinGen allele CA5620680.